The following is an entry in ClinVar:

ClinVar aggregate classification (germline): Uncertain significance (1 of 4 stars; one submission).

Conditions:
Arrhythmogenic right ventricular dysplasia 5. Also called: Arrhythmogenic Right Ventricular Dysplasia/Cardiomyopathy 5; ARRHYTHMOGENIC RIGHT VENTRICULAR DYSPLASIA, FAMILIAL, 5. Identifiers: MedGen C1858379, MONDO:0011459, OMIM 604400.

Submission:

Labcorp Genetics (formerly Invitae), Labcorp
Classification: Uncertain significance for Arrhythmogenic right ventricular dysplasia 5. Last evaluated: 2024-12-20. Review status: criteria provided, single submitter. Criteria: Invitae Variant Classification Sherloc (09022015). Collection method: clinical testing. Allele origin: germline.
Comment: This sequence change replaces leucine, which is neutral and non-polar, with phenylalanine, which is neutral and non-polar, at codon 68 of the TMEM43 protein (p.Leu68Phe). This variant is not present in population databases (gnomAD no frequency). This variant has not been reported in the literature in individuals affected with TMEM43-related conditions. Invitae Evidence Modeling of protein sequence and biophysical properties (such as structural, functional, and spatial information, amino acid conservation, physicochemical variation, residue mobility, and thermodynamic stability) has been performed for this missense variant. However, the output from this modeling did not meet the statistical confidence thresholds required to predict the impact of this variant on TMEM43 protein function. In summary, the available evidence is currently insufficient to determine the role of this variant in disease. Therefore, it has been classified as a Variant of Uncertain Significance.

NM_024334.3(TMEM43):c.202C>T (p.Leu68Phe)

Gene: TMEM43 (transmembrane protein 43; plus strand). Cytogenetic location: 3p25.1.
Variant type: single nucleotide variant.
Coding change: c.202C>T on transcript NM_024334.3 (MANE Select); coding-DNA position 202, C replaced by T.
Protein change: p.Leu68Phe; replaces leucine 68 with phenylalanine.
Molecular consequence: missense variant.
Genome position (GRCh38, 1-based): chr3:14,130,861, C>T. VCF-style: chr3-14130861-C-T. GRCh37 (hg19) VCF-style: chr3-14172361-C-T.
Other names: c.202C>T, p.Leu68Phe (NM_001407274.1, NM_001407275.1, NM_001407276.1 and 2 more transcripts); c.187C>T, p.Leu63Phe (NM_001407278.1); c.52C>T, p.Leu18Phe (NM_001407280.1); short protein forms L63F, L68F, L18F.
Identifiers: ClinVar variation 3726414 (VCV003726414.2).
Genomic context (GRCh38, chr3:14,130,861, plus strand): 5'-CCCACTCCCCTTTGCTCCCAGGGCCGCGCATTGAAGACGGCAACCTCATTGGCTGAGGGG[C>T]TCTCGCTTGTGGTGTCTCCCGACAGCATCCACAGTGTGGCTCCGGAGAATGAAGGAAGGC-3'
Protein context (NP_077310.1, residues 58-78): LKTATSLAEG[Leu68Phe]SLVVSPDSIH